The following is an entry in ClinVar:

NM_138704.4(NSMCE3):c.298G>A (p.Asp100Asn)

Genes: ENTREP2 (endosomal transmembrane epsin interactor 2; minus strand), NSMCE3 (NSE3 component of SMC5/6 complex; minus strand). Cytogenetic location: 15q13.1.
Variant type: single nucleotide variant.
Coding change: c.298G>A on transcript NM_138704.4 (MANE Select); coding-DNA position 298, G replaced by A.
Protein change: p.Asp100Asn; replaces aspartic acid 100 with asparagine.
Molecular consequence: missense variant. On other transcripts: intron variant (5).
Genome position (GRCh38, 1-based): chr15:29,269,408, C>T on the plus strand (G>A on the coding strand, the complement: NSMCE3 is on the minus strand). VCF-style: chr15-29269408-C-T. GRCh37 (hg19) VCF-style: chr15-29561612-C-T.
Other names: c.-12-16930G>A (NM_001387217.1, NM_001387215.1, NM_001387216.1); c.277-16930G>A (NM_001387214.1, NM_015307.2); short protein forms D100N.
Identifiers: ClinVar variation 4759749 (VCV004759749.1).

ClinVar aggregate classification (germline): Uncertain significance (1 of 4 stars; one submission).

gnomAD v4.1: 1 of 1,614,168 alleles (0.000062%); highest among the groups gnomAD compares: African/African-American, 0.0013%; no homozygotes.

Submission:

Labcorp Genetics (formerly Invitae), Labcorp
Classification: Uncertain significance. Last evaluated: 2025-02-09. Review status: criteria provided, single submitter. Criteria: Invitae Variant Classification Sherloc (09022015). Collection method: clinical testing. Allele origin: germline.
Comment: This sequence change replaces aspartic acid, which is acidic and polar, with asparagine, which is neutral and polar, at codon 100 of the NSMCE3 protein (p.Asp100Asn). This variant is not present in population databases (gnomAD no frequency). This variant has not been reported in the literature in individuals affected with NSMCE3-related conditions. Invitae Evidence Modeling of protein sequence and biophysical properties (such as structural, functional, and spatial information, amino acid conservation, physicochemical variation, residue mobility, and thermodynamic stability) indicates that this missense variant is not expected to disrupt NSMCE3 protein function with a negative predictive value of 80%. In summary, the available evidence is currently insufficient to determine the role of this variant in disease. Therefore, it has been classified as a Variant of Uncertain Significance.